The following is an entry in ClinVar:

ClinVar aggregate classification (germline): Benign/Likely benign. Review status: criteria provided, multiple submitters, no conflicts (2 of 4 stars). 5 submissions from 5 submitters: Benign (1); Likely benign (4). Last evaluated 2026-01-13.

Conditions:
Mitochondrial complex II deficiency, nuclear type 1. Also called: SUCCINATE CoQ REDUCTASE DEFICIENCY. Identifiers: Orphanet 3208, MedGen C5700310, MONDO:0100294, OMIM 252011.
Pheochromocytoma/paraganglioma syndrome 5. Also called: Paragangliomas 5; SDHA-Related Hereditary Paraganglioma-Pheochromocytoma Syndrome. Identifiers: Orphanet 29072, MedGen C3279992, MONDO:0013602, OMIM 614165.
Dilated cardiomyopathy 1GG (CMD1GG). Identifiers: Orphanet 154, MedGen C3150898, MONDO:0013339, OMIM 613642.
Neurodegeneration with ataxia and late-onset optic atrophy. Identifiers: MedGen C5543254, MONDO:0031006, OMIM 619259.
Hereditary cancer-predisposing syndrome. Also called: Neoplastic Syndromes, Hereditary; Hereditary Cancer Syndrome; Hereditary neoplastic syndrome; Tumor predisposition. Identifiers: Orphanet 140162, MedGen C0027672, MeSH D009386, MONDO:0015356.

Allele frequency attached by ClinVar (database versions not stated): gnomAD 0.00001; gnomAD exomes 0.00001; TOPMed 0.00001.
gnomAD v4.1: 4 of 1,614,064 alleles (0.00025%); highest among the groups gnomAD compares: Middle Eastern, 0.016%; no homozygotes.

Submissions (5):

Labcorp Genetics (formerly Invitae), Labcorp
Classification: Likely benign for Pheochromocytoma/paraganglioma syndrome 5; Mitochondrial complex II deficiency, nuclear type 1. Last evaluated: 2026-01-13. Review status: criteria provided, single submitter. Criteria: Invitae Variant Classification Sherloc (09022015). Collection method: clinical testing. Allele origin: germline.

Myriad Genetics, Inc.
Classification: Benign for Pheochromocytoma/paraganglioma syndrome 5. Last evaluated: 2025-03-04. Review status: criteria provided, single submitter. Criteria: Myriad Autosomal Dominant, Autosomal Recessive and X-Linked Classification Criteria (2023). Collection method: clinical testing. Allele origin: unknown.
Comment: This variant is considered benign. This variant is a silent/synonymous amino acid change and it is not expected to impact splicing.

Women's Health and Genetics/Laboratory Corporation of America, LabCorp
Classification: Likely benign. Last evaluated: 2024-09-30. Review status: criteria provided, single submitter. Criteria: LabCorp Variant Classification Summary - May 2015. Collection method: clinical testing. Allele origin: germline.

Fulgent Genetics
Classification: Likely benign for Mitochondrial complex II deficiency, nuclear type 1; Dilated cardiomyopathy 1GG; Pheochromocytoma/paraganglioma syndrome 5; Neurodegeneration with ataxia and late-onset optic atrophy. Last evaluated: 2022-05-12. Review status: criteria provided, single submitter. Criteria: ACMG Guidelines, 2015. Collection method: clinical testing. Allele origin: unknown.

Ambry Genetics
Classification: Likely benign for Hereditary cancer-predisposing syndrome. Last evaluated: 2015-10-08. Review status: criteria provided, single submitter. Criteria: Ambry Variant Classification Scheme 2023. Collection method: clinical testing. Allele origin: germline.

NM_004168.4(SDHA):c.954C>T (p.Leu318=)

Gene: SDHA (succinate dehydrogenase complex flavoprotein subunit A; plus strand). Cytogenetic location: 5p15.33.
Variant type: single nucleotide variant.
Coding change: c.954C>T on transcript NM_004168.4 (MANE Select); coding-DNA position 954, C replaced by T.
Protein change: p.Leu318=; no amino-acid change (leucine 318 retained).
Molecular consequence: synonymous variant.
Genome position (GRCh38, 1-based): chr5:233,535, C>T. VCF-style: chr5-233535-C-T. GRCh37 (hg19) VCF-style: chr5-233650-C-T.
Other names: c.810C>T, p.Leu270= (NM_001294332.2); c.954C>T, p.Leu318= (NM_001330758.2).
Identifiers: ClinVar variation 486373 (VCV000486373.29), dbSNP rs1412623947, ClinGen allele CA442691684.